The following is an entry in ClinVar:

NM_001211.6(BUB1B):c.1441C>T (p.Gln481Ter)

Gene: BUB1B (BUB1 mitotic checkpoint serine/threonine kinase B; plus strand). Cytogenetic location: 15q15.1.
Variant type: single nucleotide variant.
Coding change: c.1441C>T on transcript NM_001211.6 (MANE Select); coding-DNA position 1441, C replaced by T.
Protein change: p.Gln481Ter; replaces glutamine 481 with a stop codon.
Molecular consequence: nonsense.
Genome position (GRCh38, 1-based): chr15:40,200,283, C>T. VCF-style: chr15-40200283-C-T. GRCh37 (hg19) VCF-style: chr15-40492484-C-T.
Other names: short protein forms Q481*.
Identifiers: ClinVar variation 1408436 (VCV001408436.6), dbSNP rs2140900615, ClinGen allele CA391689799.

ClinVar aggregate classification (germline): Pathogenic (1 of 4 stars; one submission).

Conditions:
Mosaic variegated aneuploidy syndrome 1 (MVA1). Also called: Warburton-Anyane-Yeboa syndrome. Identifiers: Orphanet 1052, MedGen C1850343, MONDO:0009759, OMIM 257300.

Submission:

Labcorp Genetics (formerly Invitae), Labcorp
Classification: Pathogenic for Mosaic variegated aneuploidy syndrome 1. Last evaluated: 2023-08-10. Review status: criteria provided, single submitter. Criteria: Invitae Variant Classification Sherloc (09022015). Collection method: clinical testing. Allele origin: germline.
Comment: For these reasons, this variant has been classified as Pathogenic. ClinVar contains an entry for this variant (Variation ID: 1408436). This variant has not been reported in the literature in individuals affected with BUB1B-related conditions. This variant is not present in population databases (gnomAD no frequency). This sequence change creates a premature translational stop signal (p.Gln481*) in the BUB1B gene. It is expected to result in an absent or disrupted protein product. Loss-of-function variants in BUB1B are known to be pathogenic (PMID: 15475955, 21190457).

Literature cited by the submitters: PubMed 15475955; PubMed 21190457.